The following is an entry in ClinVar:

NM_014271.4(IL1RAPL1):c.782A>T (p.Asp261Val)

Gene: IL1RAPL1 (interleukin 1 receptor accessory protein like 1; plus strand). Cytogenetic location: Xp21.2.
Variant type: single nucleotide variant.
Coding change: c.782A>T on transcript NM_014271.4 (MANE Select); coding-DNA position 782, A replaced by T.
Protein change: p.Asp261Val; replaces aspartic acid 261 with valine.
Molecular consequence: missense variant.
Genome position (GRCh38, 1-based): chrX:29,917,467, A>T. VCF-style: chrX-29917467-A-T. GRCh37 (hg19) VCF-style: chrX-29935584-A-T.
Other names: short protein forms D261V.
Identifiers: ClinVar variation 1985325 (VCV001985325.4), dbSNP rs1486353222, ClinGen allele CA412635740.

ClinVar aggregate classification (germline): Uncertain significance (1 of 4 stars; one submission).

Allele frequency attached by ClinVar (database versions not stated): gnomAD 0.00001.
gnomAD v4.1: 3 of 1,207,525 alleles (0.00025%); highest among the groups gnomAD compares: South Asian, 0.0018%; no homozygotes.

Submission:

Labcorp Genetics (formerly Invitae), Labcorp
Classification: Uncertain significance. Last evaluated: 2025-10-09. Review status: criteria provided, single submitter. Criteria: Invitae Variant Classification Sherloc (09022015). Collection method: clinical testing. Allele origin: germline.
Comment: This sequence change replaces aspartic acid, which is acidic and polar, with valine, which is neutral and non-polar, at codon 261 of the IL1RAPL1 protein (p.Asp261Val). This variant is present in population databases (no rsID available, gnomAD 0.02%). This variant has not been reported in the literature in individuals affected with IL1RAPL1-related conditions. ClinVar contains an entry for this variant (Variation ID: 1985325). An algorithm developed to predict the effect of missense changes on protein structure and function (PolyPhen-2) suggests that this variant is likely to be tolerated. In summary, the available evidence is currently insufficient to determine the role of this variant in disease. Therefore, it has been classified as a Variant of Uncertain Significance.